The following is an entry in ClinVar:

NM_001042492.3(NF1):c.5812+4A>T

Gene: NF1 (neurofibromin 1; plus strand). Cytogenetic location: 17q11.2.
Variant type: single nucleotide variant.
Coding change: c.5812+4A>T on transcript NM_001042492.3 (MANE Select); 4 bases into the intron after coding-DNA position 5812, A replaced by T.
Molecular consequence: intron variant.
Genome position (GRCh38, 1-based): chr17:31,330,502, A>T. VCF-style: chr17-31330502-A-T. GRCh37 (hg19) VCF-style: chr17-29657520-A-T.
Other names: c.5749+4A>T (NM_000267.4).
Identifiers: ClinVar variation 644875 (VCV000644875.1), dbSNP rs1597834988, ClinGen allele CA915949867.
Genomic context (GRCh38, chr17:31,330,502, plus strand): 5'-AGCCACACCTCACGTTAGAATTTTTGGAAGAGTGTATTTCTGGATTTAGCAAATCTAGTA[A>T]GTAATGATAATTTTCTTTAATACTAACAATTATTCTAAGAGAATTCAAAGAAAACCCTTT-3'

ClinVar aggregate classification (germline): Pathogenic (1 of 4 stars; one submission).

Conditions:
Neurofibromatosis, type 1 (NF1). Also called: NEUROFIBROMATOSIS, TYPE I, SOMATIC; VON RECKLINGHAUSEN DISEASE; Neurofibromatosis, type I; Peripheral type neurofibromatosis. Identifiers: Orphanet 636, MedGen C0027831, MONDO:0018975, OMIM 162200. Disease mechanism: loss of function.

Submission:

Labcorp Genetics (formerly Invitae), Labcorp
Classification: Pathogenic for Neurofibromatosis, type 1. Last evaluated: 2018-11-28. Review status: criteria provided, single submitter. Criteria: Invitae Variant Classification Sherloc (09022015). Collection method: clinical testing. Allele origin: germline.
Comment: This sequence change falls in intron 38 of the NF1 gene. It does not directly change the encoded amino acid sequence of the NF1 protein, but it affects a nucleotide within the consensus splice site of the intron. This variant is not present in population databases (ExAC no frequency). Nucleotide substitutions within the consensus splice site are a relatively common cause of aberrant splicing (PMID: 17576681, 9536098). Algorithms developed to predict the effect of sequence changes on RNA splicing suggest that this variant may disrupt the consensus splice site, but this prediction has not been confirmed by published transcriptional studies. For these reasons, this variant has been classified as Pathogenic.